The following is an entry in ClinVar:

NM_144573.4(NEXN):c.1525C>A (p.His509Asn)

Gene: NEXN (nexilin F-actin binding protein; plus strand). Cytogenetic location: 1p31.1.
Variant type: single nucleotide variant.
Coding change: c.1525C>A on transcript NM_144573.4 (MANE Select); coding-DNA position 1525, C replaced by A.
Protein change: p.His509Asn; replaces histidine 509 with asparagine.
Molecular consequence: missense variant.
Genome position (GRCh38, 1-based): chr1:77,942,074, C>A. VCF-style: chr1-77942074-C-A. GRCh37 (hg19) VCF-style: chr1-78407759-C-A.
Other names: c.1333C>A, p.His445Asn (NM_001172309.2); short protein forms H445N, H509N.
Identifiers: ClinVar variation 2051082 (VCV002051082.4), dbSNP rs1287888920, ClinGen allele CA340880876.
Genomic context (GRCh38, chr1:77,942,074, plus strand): 5'-TTCTTGCAGGAAGATGATGTTGATGTTAGGCCTGCAAGAAAAAGCGAGGCTCCATTTACT[C>A]ACAAAGTGAATATGAAAGCTAGATTTGAACAAATGGCTAAGGCAAGAGAAGAAGAAGAAC-3'
Protein context (NP_653174.3, residues 499-519): PARKSEAPFT[His509Asn]KVNMKARFEQ

ClinVar aggregate classification (germline): Uncertain significance (1 of 4 stars; one submission).

Conditions:
Dilated cardiomyopathy 1CC (CMD1CC). Identifiers: Orphanet 154, MedGen C2751084, MONDO:0013147, OMIM 613122.
Hypertrophic cardiomyopathy 20. Identifiers: MedGen C3151267, MONDO:0013477, OMIM 613876.

Allele frequency attached by ClinVar (database versions not stated): TOPMed below 0.00001.
gnomAD v4.1: 4 of 1,613,588 alleles (0.00025%); highest among the groups gnomAD compares: Non-Finnish European, 0.00034%; no homozygotes.

Submission:

Labcorp Genetics (formerly Invitae), Labcorp
Classification: Uncertain significance for Dilated cardiomyopathy 1CC; Hypertrophic cardiomyopathy 20. Last evaluated: 2021-12-21. Review status: criteria provided, single submitter. Criteria: Invitae Variant Classification Sherloc (09022015). Collection method: clinical testing. Allele origin: germline.
Comment: In summary, the available evidence is currently insufficient to determine the role of this variant in disease. Therefore, it has been classified as a Variant of Uncertain Significance. Algorithms developed to predict the effect of missense changes on protein structure and function are either unavailable or do not agree on the potential impact of this missense change (SIFT: "Deleterious"; PolyPhen-2: "Benign"; Align-GVGD: "Class C0"). This variant has not been reported in the literature in individuals affected with NEXN-related conditions. This variant is not present in population databases (gnomAD no frequency). This sequence change replaces histidine, which is basic and polar, with asparagine, which is neutral and polar, at codon 509 of the NEXN protein (p.His509Asn).